The following is an entry in ClinVar:

ClinVar aggregate classification (germline): Uncertain significance. Review status: criteria provided, multiple submitters, no conflicts (2 of 4 stars). 4 submissions from 4 submitters: Uncertain significance (4). Last evaluated 2025-01-08.

Conditions:
Anemia, congenital dyserythropoietic, type 1a (CDAN1A). Also called: DYSERYTHROPOIETIC ANEMIA, CONGENITAL, TYPE Ia; CDAN1-Related Congenital Dyserythropoietic Anemia. Identifiers: MedGen C5574667, MONDO:0009135, OMIM 224120.
Congenital dyserythropoietic anemia, type I. Also called: Dyserythropoietic anemia, congenital type 1. Identifiers: Orphanet 98869, MedGen C0271933, MONDO:0020337. Disease mechanism: loss of function.

Allele frequency attached by ClinVar (database versions not stated): gnomAD 0.00002 and 0.00005; TOPMed 0.00003; ESP Exome Variant Server 0.00008; gnomAD exomes 0.00011 and 0.00015; ExAC 0.00018; 1000 Genomes Project 0.00020; 1000 Genomes Project 30x 0.00031.
gnomAD v4.1: 169 of 1,584,490 alleles (0.011%); highest among the groups gnomAD compares: South Asian, 0.089%; 1 homozygote.

Submissions (4):

ARUP Laboratories, Molecular Genetics and Genomics, ARUP Laboratories
Classification: Uncertain significance for Anemia, congenital dyserythropoietic, type 1a. Last evaluated: 2025-01-08. Review status: criteria provided, single submitter. Criteria: ARUP Molecular Germline Variant Investigation Process 2024. Collection method: clinical testing. Allele origin: germline.
Comment: The CDAN1 c.3019C>T; p.Arg1007Trp variant (rs142276684), to our knowledge, is not reported in the medical literature but is reported in ClinVar (Variation ID: 886002). This variant is found predominantly in the South Asian population with an allele frequency of 0.09% (24/26830 alleles) in the Genome Aggregation Database (v2.1.1). Computational analyses are uncertain whether this variant is neutral or deleterious (REVEL: 0.418). Due to limited information, the clinical significance of this variant is uncertain at this time.

Revvity Omics, Revvity
Classification: Uncertain significance for Anemia, congenital dyserythropoietic, type 1a. Last evaluated: 2021-11-15. Review status: criteria provided, single submitter. Criteria: ACMG Guidelines, 2015. Collection method: clinical testing. Allele origin: germline.

Blueprint Genetics
Classification: Uncertain significance. Last evaluated: 2021-07-22. Review status: criteria provided, single submitter. Criteria: ACMG Guidelines, 2015. Collection method: clinical testing. Allele origin: germline.

Illumina Laboratory Services, Illumina
Classification: Uncertain significance for Anemia, congenital dyserythropoietic, type 1a. Last evaluated: 2018-03-30. Review status: criteria provided, single submitter. Criteria: ICSL Variant Classification Criteria 13 December 2019. Collection method: clinical testing. Allele origin: germline.

NM_138477.4(CDAN1):c.3019C>T (p.Arg1007Trp)

Gene: CDAN1 (codanin 1; minus strand). Cytogenetic location: 15q15.2.
Variant type: single nucleotide variant.
Coding change: c.3019C>T on transcript NM_138477.4 (MANE Select); coding-DNA position 3019, C replaced by T.
Protein change: p.Arg1007Trp; replaces arginine 1007 with tryptophan.
Molecular consequence: missense variant.
Genome position (GRCh38, 1-based): chr15:42,727,698, G>A on the plus strand (C>T on the coding strand, the complement: CDAN1 is on the minus strand). VCF-style: chr15-42727698-G-A. GRCh37 (hg19) VCF-style: chr15-43019896-G-A.
Other names: short protein forms R1007W.
Identifiers: ClinVar variation 886002 (VCV000886002.8), dbSNP rs142276684, ClinGen allele CA7515339.